The following is an entry in ClinVar:

NM_002772.3(TMPRSS15):c.2606A>C (p.Asn869Thr)

Gene: TMPRSS15 (transmembrane serine protease 15; minus strand). Cytogenetic location: 21q21.1.
Variant type: single nucleotide variant.
Coding change: c.2606A>C on transcript NM_002772.3 (MANE Select); coding-DNA position 2606, A replaced by C.
Protein change: p.Asn869Thr; replaces asparagine 869 with threonine.
Molecular consequence: missense variant.
Genome position (GRCh38, 1-based): chr21:18,281,102, T>G on the plus strand (A>C on the coding strand, the complement: TMPRSS15 is on the minus strand). VCF-style: chr21-18281102-T-G. GRCh37 (hg19) VCF-style: chr21-19653419-T-G.
Other names: c.2741A>C, p.Asn914Thr (NM_001428056.1); c.2606A>C, p.Asn869Thr (NM_001428057.1); short protein forms N869T, N914T.
Identifiers: ClinVar variation 3698061 (VCV003698061.2).

ClinVar aggregate classification (germline): Uncertain significance (1 of 4 stars; one submission).

gnomAD v4.1: 6 of 1,614,126 alleles (0.00037%); highest among the groups gnomAD compares: African/African-American, 0.0027%; no homozygotes.

Submission:

Labcorp Genetics (formerly Invitae), Labcorp
Classification: Uncertain significance. Last evaluated: 2024-10-24. Review status: criteria provided, single submitter. Criteria: Invitae Variant Classification Sherloc (09022015). Collection method: clinical testing. Allele origin: germline.
Comment: This sequence change replaces asparagine, which is neutral and polar, with threonine, which is neutral and polar, at codon 869 of the TMPRSS15 protein (p.Asn869Thr). This variant is not present in population databases (gnomAD no frequency). This variant has not been reported in the literature in individuals affected with TMPRSS15-related conditions. An algorithm developed to predict the effect of missense changes on protein structure and function (PolyPhen-2) suggests that this variant is likely to be tolerated. In summary, the available evidence is currently insufficient to determine the role of this variant in disease. Therefore, it has been classified as a Variant of Uncertain Significance.